The following is an entry in ClinVar:

NM_015329.4(MAU2):c.183G>C (p.Gln61His)

Gene: MAU2 (MAU2 sister chromatid cohesion factor; plus strand). Cytogenetic location: 19p13.11.
Variant type: single nucleotide variant.
Coding change: c.183G>C on transcript NM_015329.4 (MANE Select); coding-DNA position 183, G replaced by C.
Protein change: p.Gln61His; replaces glutamine 61 with histidine.
Molecular consequence: missense variant.
Genome position (GRCh38, 1-based): chr19:19,321,042, G>C. VCF-style: chr19-19321042-G-C. GRCh37 (hg19) VCF-style: chr19-19431851-G-C.
Other names: short protein forms Q61H.
Identifiers: ClinVar variation 5020666 (VCV005020666.1).
Genomic context (GRCh38, chr19:19,321,042, plus strand): 5'-GCCCAAAATCCGCCTGTGCGTGCACTGCCTGCAGGCCGTGTTCCCCTTCAAGCCGCCGCA[G>C]CGCATCGAGGCCCGTACACACCTGCAGCTGGGCTCCGTTCTCTATCACCACACCAAGAAC-3'
Protein context (NP_056144.3, residues 51-71): LQAVFPFKPP[Gln61His]RIEARTHLQL

ClinVar aggregate classification (germline): Uncertain significance (1 of 4 stars; one submission).

Submission:

Dasa
Classification: Uncertain significance. Last evaluated: 2026-08-13. Review status: criteria provided, single submitter. Criteria: DASA Assertion Criteria. Collection method: clinical testing. Allele origin: germline.
Comment: NM_015329.4(MAU2):c.183G>C (p.Gln61His) is a missense variant that results in the substitution of glutamine with histidine. This variant is rare in population databases. The currently available literature and clinical evidence are not sufficient to establish a definitive association between this variant and the reported condition. Therefore, this variant is classified as a variant of uncertain significance.